The following is an entry in ClinVar:

ClinVar aggregate classification (germline): Benign. Review status: criteria provided, multiple submitters, no conflicts (2 of 4 stars). 2 submissions from 2 submitters: Benign (2). Last evaluated 2018-06-14.

Allele frequency attached by ClinVar (database versions not stated): 1000 Genomes Project 30x 0.94441; 1000 Genomes Project 0.94828; TOPMed 0.95331; ESP Exome Variant Server 0.95785; gnomAD exomes 0.99554.
gnomAD v4.1: 1,439,288 of 1,451,680 alleles (99%); highest among the groups gnomAD compares: East Asian, 100%; 714,215 homozygotes.

Submissions (2):

GeneDx
Classification: Benign. Last evaluated: 2018-06-14. Review status: criteria provided, single submitter. Criteria: GeneDx Variant Classification (06012015). Collection method: clinical testing. Allele origin: germline. Affected: yes.
Comment: This variant is considered likely benign or benign based on one or more of the following criteria: it is a conservative change, it occurs at a poorly conserved position in the protein, it is predicted to be benign by multiple in silico algorithms, and/or has population frequency not consistent with disease.

Breakthrough Genomics
Classification: Benign. Review status: criteria provided, single submitter. Criteria: ACMG Guidelines, 2015. Collection method: not provided. Allele origin: germline. Inheritance: Autosomal recessive inheritance. Affected: yes.

NM_001013703.4(EIF2AK4):c.2631+47T>C

Gene: EIF2AK4 (eukaryotic translation initiation factor 2 alpha kinase 4; plus strand). Cytogenetic location: 15q15.1.
Variant type: single nucleotide variant.
Coding change: c.2631+47T>C on transcript NM_001013703.4 (MANE Select); 47 bases into the intron after coding-DNA position 2631, T replaced by C.
Molecular consequence: intron variant.
Genome position (GRCh38, 1-based): chr15:39,990,424, T>C. VCF-style: chr15-39990424-T-C. GRCh37 (hg19) VCF-style: chr15-40282625-T-C.
Identifiers: ClinVar variation 674664 (VCV000674664.2), dbSNP rs4144472, ClinGen allele CA7474092.
Genomic context (GRCh38, chr15:39,990,424, plus strand): 5'-ATCTAGCCTTTTCTGTAAGTATTTTAAAAATTAGACTGTACCTAAAAACAGACTCAGATG[T>C]CTTGATAATCCTGGAAGTGTTAGCGGATAGAATAGTGCGTTCACAGAACTATGCCGTCTA-3'